The following is an entry in ClinVar:

NM_000493.4(COL10A1):c.976G>C (p.Gly326Arg)

Genes: COL10A1 (collagen type X alpha 1 chain; minus strand), NT5DC1 (5'-nucleotidase domain containing 1; plus strand). Cytogenetic location: 6q22.1.
Variant type: single nucleotide variant.
Coding change: c.976G>C on transcript NM_000493.4 (MANE Select); coding-DNA position 976, G replaced by C.
Protein change: p.Gly326Arg; replaces glycine 326 with arginine.
Molecular consequence: missense variant. On other transcripts: intron variant (1).
Genome position (GRCh38, 1-based): chr6:116,121,140, C>G on the plus strand (G>C on the coding strand, the complement: COL10A1 is on the minus strand). VCF-style: chr6-116121140-C-G. GRCh37 (hg19) VCF-style: chr6-116442303-C-G.
Other names: c.976G>C, p.Gly326Arg (NM_001424106.1, NM_001424107.1); c.529+3195C>G (NM_152729.3); short protein forms G326R.
Identifiers: ClinVar variation 2209679 (VCV002209679.5), dbSNP rs774015877, ClinGen allele CA365391130.

ClinVar aggregate classification (germline): Uncertain significance. Review status: criteria provided, multiple submitters, no conflicts (2 of 4 stars). 2 submissions from 2 submitters: Uncertain significance (2). Last evaluated 2024-12-28.

Conditions:
Inborn genetic diseases. Identifiers: MedGen C0950123, MeSH D030342.

gnomAD v4.1: 11 of 1,613,412 alleles (0.00068%); highest among the groups gnomAD compares: Non-Finnish European, 0.00093%; no homozygotes.

Submissions (2):

Ambry Genetics
Classification: Uncertain significance for Inborn genetic diseases. Last evaluated: 2024-12-28. Review status: criteria provided, single submitter. Criteria: Ambry Variant Classification Scheme 2023. Collection method: clinical testing. Allele origin: germline.

Labcorp Genetics (formerly Invitae), Labcorp
Classification: Uncertain significance. Last evaluated: 2024-06-10. Review status: criteria provided, single submitter. Criteria: Invitae Variant Classification Sherloc (09022015). Collection method: clinical testing. Allele origin: germline.
Comment: This sequence change replaces glycine, which is neutral and non-polar, with arginine, which is basic and polar, at codon 326 of the COL10A1 protein (p.Gly326Arg). The frequency data for this variant in the population databases is considered unreliable, as metrics indicate poor data quality at this position in the gnomAD database. This variant has not been reported in the literature in individuals affected with COL10A1-related conditions. ClinVar contains an entry for this variant (Variation ID: 2209679). Advanced modeling of protein sequence and biophysical properties (such as structural, functional, and spatial information, amino acid conservation, physicochemical variation, residue mobility, and thermodynamic stability) has been performed at Invitae for this missense variant, however the output from this modeling did not meet the statistical confidence thresholds required to predict the impact of this variant on COL10A1 protein function. In summary, the available evidence is currently insufficient to determine the role of this variant in disease. Therefore, it has been classified as a Variant of Uncertain Significance.